The following is an entry in ClinVar:

ClinVar aggregate classification (germline): Likely pathogenic (1 of 4 stars; one submission).

Conditions:
Cohen syndrome (COH1). Also called: PEPPER SYNDROME; Cutis verticis gyrata, retinitis pigmentosa, and sensorineural deafness. Identifiers: Orphanet 193, MedGen C0265223, MONDO:0008999, OMIM 216550.

Submission:

Natera, Inc.
Classification: Likely pathogenic for Cohen syndrome. Last evaluated: 2025-01-08. Review status: criteria provided, single submitter. Criteria: Natera Variant Classification Schema (03/2026). Collection method: clinical testing. Allele origin: germline.
Comment: The c.6161_6162del variant in VPS13B is a frameshift variant predicted to shift the reading frame beginning at codon 2054 and leads to a stop codon 25 codons downstream. This variant is expected to result in nonsense mediated decay, truncation, or a dysfunctional protein product. This variant is rare in the general population with a frequency below the threshold expected for the associated phenotype(s). Given the available evidence, this variant is classified as Likely Pathogenic.

NM_152564.5(VPS13B):c.6086_6087del (p.Asn2029fs)

Gene: VPS13B (vacuolar protein sorting 13 homolog B; plus strand). Cytogenetic location: 8q22.2.
Variant type: Deletion.
Coding change: c.6086_6087del on transcript NM_152564.5 (MANE Select); coding-DNA positions 6086 to 6087, 2 bases deleted (AC; older notation c.6086_6087delAC).
Protein change: p.Asn2029fs; shifts the reading frame from asparagine 2029.
Molecular consequence: frameshift variant.
Genome position (GRCh38, 1-based): chr8:99,699,564-99,699,565, AC deleted. VCF-style (leftmost placement, unchanged base first): chr8-99699563-AAC-A. GRCh37 (hg19) VCF-style: chr8-100711791-AAC-A.
Other names: c.6161_6162delAC, p.Asn2054Thrfs (NM_017890.4); c.6161_6162del, p.Asn2054fs (NM_017890.5); short protein forms N2029fs, N2054fs.
Identifiers: ClinVar variation 4063276 (VCV004063276.2).